The following is an entry in ClinVar:

NM_000485.3(APRT):c.162C>T (p.His54=)

Gene: APRT (adenine phosphoribosyltransferase; minus strand). Cytogenetic location: 16q24.3.
Variant type: single nucleotide variant.
Coding change: c.162C>T on transcript NM_000485.3 (MANE Select); coding-DNA position 162, C replaced by T.
Protein change: p.His54=; no amino-acid change (histidine 54 retained).
Molecular consequence: synonymous variant.
Genome position (GRCh38, 1-based): chr16:88,811,575, G>A on the plus strand (C>T on the coding strand, the complement: APRT is on the minus strand). VCF-style: chr16-88811575-G-A. GRCh37 (hg19) VCF-style: chr16-88877983-G-A.
Other names: c.162C>T, p.His54= (NM_001030018.2).
Identifiers: ClinVar variation 321165 (VCV000321165.21), dbSNP rs145490332, ClinGen allele CA8234553.

ClinVar aggregate classification (germline): Benign/Likely benign. Review status: criteria provided, multiple submitters, no conflicts (2 of 4 stars). 4 submissions from 4 submitters: Benign (1); Likely benign (3). Last evaluated 2026-01-30.

Conditions:
Adenine phosphoribosyltransferase deficiency (APRTD). Also called: 2,8-dihydroxyadenine urolithiasis; APRT DEFICIENCY; NEPHROLITHIASIS, DHA; Urolithiasis, dha. Identifiers: Orphanet 976, MedGen C0268120, MONDO:0013869, OMIM 614723.

Allele frequency attached by ClinVar (database versions not stated): gnomAD exomes 0.00287 and 0.00382; gnomAD 0.00298 and 0.00284; TOPMed 0.00338; ESP Exome Variant Server 0.00373; ExAC 0.00582; 1000 Genomes Project 0.00060; 1000 Genomes Project 30x 0.00094.
gnomAD v4.1: 5,897 of 1,601,250 alleles (0.37%); highest among the groups gnomAD compares: Non-Finnish European, 0.45%; 16 homozygotes.

Submissions (4):

Labcorp Genetics (formerly Invitae), Labcorp
Classification: Benign. Last evaluated: 2026-01-30. Review status: criteria provided, single submitter. Criteria: Invitae Variant Classification Sherloc (09022015). Collection method: clinical testing. Allele origin: germline.

CeGaT Center for Human Genetics Tuebingen
Classification: Likely benign. Last evaluated: 2025-11-01. Review status: criteria provided, single submitter. Criteria: CeGaT Center For Human Genetics Tuebingen Variant Classification Criteria Version 2. Collection method: clinical testing. Allele origin: germline. Affected: yes. Observed: 1 variant allele.
Comment: APRT: BP4, BP7, BS2

Blueprint Genetics
Classification: Likely benign. Last evaluated: 2024-11-25. Review status: criteria provided, single submitter. Criteria: ACMG Guidelines, 2015. Collection method: clinical testing. Allele origin: germline.

Illumina Laboratory Services, Illumina
Classification: Likely benign for Adenine phosphoribosyltransferase deficiency. Last evaluated: 2018-01-13. Review status: criteria provided, single submitter. Criteria: ICSL Variant Classification Criteria 13 December 2019. Collection method: clinical testing. Allele origin: germline.
Comment: This variant was observed in the ICSL laboratory as part of a predisposition screen in an ostensibly healthy population. It had not been previously curated by ICSL or reported in the Human Gene Mutation Database (HGMD: prior to June 1st, 2018), and was therefore a candidate for classification through an automated scoring system. Utilizing variant allele frequency, disease prevalence and penetrance estimates, and inheritance mode, an automated score was calculated to assess if this variant is too frequent to cause the disease. Based on the score and internal cut-off values, a variant classified as likely benign is not then subjected to further curation. The score for this variant resulted in a classification of likely benign for this disease.